The following is an entry in ClinVar:

ClinVar aggregate classification (germline): Uncertain significance (1 of 4 stars; one submission).

Conditions:
Hereditary cancer-predisposing syndrome. Also called: Neoplastic Syndromes, Hereditary; Tumor predisposition; Hereditary Cancer Syndrome; Hereditary neoplastic syndrome. Identifiers: Orphanet 140162, MedGen C0027672, MeSH D009386, MONDO:0015356.

Submission:

Ambry Genetics
Classification: Uncertain significance for Hereditary cancer-predisposing syndrome. Last evaluated: 2026-04-22. Review status: criteria provided, single submitter. Criteria: Ambry Variant Classification Scheme 2023. Collection method: clinical testing. Allele origin: germline.
Comment: The c.815+2T>C intronic variant results from a T to C substitution two nucleotides after coding exon 1 in the AXIN2 gene. This nucleotide position is highly conserved in available vertebrate species. In silico splice site analysis predicts that this alteration may weaken the native splice donor site. Variants that disrupt the canonical splice site are expected to cause aberrant splicing, resulting in an abnormal protein or a transcript that is subject to nonsense-mediated mRNA decay; however, +2T>C variants are capable of generating wild-type transcripts in some genomic contexts and should be interpreted with caution (Lin JH et al. Hum Mutat. 2019 10;40:1856-1873). Based on the available evidence, the clinical significance of this variant remains unclear.

NM_004655.4(AXIN2):c.815+2T>C

Gene: AXIN2 (axin 2; minus strand). Cytogenetic location: 17q24.1.
Variant type: single nucleotide variant.
Coding change: c.815+2T>C on transcript NM_004655.4 (MANE Select); the canonical splice donor site of the intron after coding-DNA position 815, T replaced by C.
Molecular consequence: splice donor variant.
Genome position (GRCh38, 1-based): chr17:65,557,804, A>G on the plus strand (T>C on the coding strand, the complement: AXIN2 is on the minus strand). VCF-style: chr17-65557804-A-G. GRCh37 (hg19) VCF-style: chr17-63553922-A-G.
Other names: c.815+2T>C (NM_001363813.1).
Identifiers: ClinVar variation 4867303 (VCV004867303.1).
Genomic context (GRCh38, chr17:65,557,804, plus strand): 5'-CCATACTTAAAACATCTGCAAAGTCCACAGCATCAGCCCACCCGCCCCCGTCAAAGTCTT[A>G]CCTGTATCCACTGTCAACAGTTTCCGTGGACCTCACACTCGCCGTGGCCCTCAGAGTTTT-3'